The following is an entry in ClinVar:

NM_004304.5(ALK):c.456G>C (p.Glu152Asp)

Gene: ALK (ALK receptor tyrosine kinase; minus strand). Cytogenetic location: 2p23.1.
Variant type: single nucleotide variant.
Coding change: c.456G>C on transcript NM_004304.5 (MANE Select); coding-DNA position 456, G replaced by C.
Protein change: p.Glu152Asp; replaces glutamic acid 152 with aspartic acid.
Molecular consequence: missense variant.
Genome position (GRCh38, 1-based): chr2:29,920,204, C>G on the plus strand (G>C on the coding strand, the complement: ALK is on the minus strand). VCF-style: chr2-29920204-C-G. GRCh37 (hg19) VCF-style: chr2-30143070-C-G.
Other names: short protein forms E152D.
Identifiers: ClinVar variation 538247 (VCV000538247.9), dbSNP rs1553380299, ClinGen allele CA346590007.

ClinVar aggregate classification (germline): Uncertain significance. Review status: criteria provided, multiple submitters, no conflicts (2 of 4 stars). 2 submissions from 2 submitters: Uncertain significance (2). Last evaluated 2025-02-11.

Conditions:
Hereditary cancer-predisposing syndrome. Also called: Neoplastic Syndromes, Hereditary; Tumor predisposition; Hereditary Cancer Syndrome; Hereditary neoplastic syndrome. Identifiers: Orphanet 140162, MedGen C0027672, MeSH D009386, MONDO:0015356.
Neuroblastoma, susceptibility to, 3. Also called: ALK-Related Neuroblastic Tumor Susceptibility. Identifiers: Orphanet 635, MedGen C2751681, MONDO:0013083, OMIM 613014.

gnomAD v4.1: 1 of 1,613,442 alleles (0.000062%); no homozygotes.

Submissions (2):

Labcorp Genetics (formerly Invitae), Labcorp
Classification: Uncertain significance for Neuroblastoma, susceptibility to, 3. Last evaluated: 2025-02-11. Review status: criteria provided, single submitter. Criteria: Invitae Variant Classification Sherloc (09022015). Collection method: clinical testing. Allele origin: germline.
Comment: This sequence change replaces glutamic acid, which is acidic and polar, with aspartic acid, which is acidic and polar, at codon 152 of the ALK protein (p.Glu152Asp). This variant is not present in population databases (gnomAD no frequency). This variant has not been reported in the literature in individuals affected with ALK-related conditions. ClinVar contains an entry for this variant (Variation ID: 538247). An algorithm developed to predict the effect of missense changes on protein structure and function (PolyPhen-2) suggests that this variant is likely to be tolerated. In summary, the available evidence is currently insufficient to determine the role of this variant in disease. Therefore, it has been classified as a Variant of Uncertain Significance.

Ambry Genetics
Classification: Uncertain significance for Hereditary cancer-predisposing syndrome. Last evaluated: 2024-02-16. Review status: criteria provided, single submitter. Criteria: Ambry Variant Classification Scheme 2023. Collection method: clinical testing. Allele origin: germline.
Comment: The p.E152D variant (also known as c.456G>C), located in coding exon 1 of the ALK gene, results from a G to C substitution at nucleotide position 456. The glutamic acid at codon 152 is replaced by aspartic acid, an amino acid with highly similar properties. This amino acid position is conserved. In addition, this alteration is predicted to be tolerated by in silico analysis. Based on the available evidence, the clinical significance of this alteration remains unclear.